The following is an entry in ClinVar:

NM_000211.5(ITGB2):c.786del (p.Thr263fs)

Gene: ITGB2 (integrin subunit beta 2; minus strand). Cytogenetic location: 21q22.3.
Variant type: Deletion.
Coding change: c.786del on transcript NM_000211.5 (MANE Select); coding-DNA position 786, one base deleted (C; older notation c.786delC).
Protein change: p.Thr263fs; shifts the reading frame from threonine 263.
Molecular consequence: frameshift variant.
Genome position (GRCh38, 1-based): chr21:44,900,431, G deleted on the plus strand (C on the coding strand, the reverse complement: ITGB2 is on the minus strand); the first of 2 consecutive G bases (chr21:44,900,431-44,900,432); deleting either gives the same sequence. VCF-style (leftmost placement, unchanged base first): chr21-44900430-TG-T. GRCh37 (hg19) VCF-style: chr21-46320345-TG-T.
Other names: c.786del, p.Thr263fs (NM_001127491.3); c.579del, p.Thr194fs (NM_001303238.2); short protein forms T194fs, T263fs.
Identifiers: ClinVar variation 639240 (VCV000639240.7), dbSNP rs1601302490, ClinGen allele CA915952767.

ClinVar aggregate classification (germline): Pathogenic (1 of 4 stars; one submission).

Conditions:
Leukocyte adhesion deficiency 1 (LAD1). Also called: LEUKOCYTE ADHESION DEFICIENCY, TYPE I; LAD 1; Lymphocyte function-associated antigen 1 immunodeficiency; LFA 1 immunodeficiency. Identifiers: Orphanet 2968, Orphanet 99842, MedGen C0398738, MONDO:0007293, OMIM 116920.

Submission:

Labcorp Genetics (formerly Invitae), Labcorp
Classification: Pathogenic for Leukocyte adhesion deficiency 1. Last evaluated: 2024-03-13. Review status: criteria provided, single submitter. Criteria: Invitae Variant Classification Sherloc (09022015). Collection method: clinical testing. Allele origin: germline.
Comment: This sequence change creates a premature translational stop signal (p.Thr263Leufs*17) in the ITGB2 gene. It is expected to result in an absent or disrupted protein product. Loss-of-function variants in ITGB2 are known to be pathogenic (PMID: 22134107, 25703682). This variant is not present in population databases (gnomAD no frequency). This variant has not been reported in the literature in individuals affected with ITGB2-related conditions. ClinVar contains an entry for this variant (Variation ID: 639240). For these reasons, this variant has been classified as Pathogenic.

Literature cited by the submitters: PubMed 22134107; PubMed 25703682.